The following is an entry in ClinVar:

NM_001042492.3(NF1):c.1724C>G (p.Ser575Ter)

Gene: NF1 (neurofibromin 1; plus strand). Cytogenetic location: 17q11.2.
Variant type: single nucleotide variant.
Coding change: c.1724C>G on transcript NM_001042492.3 (MANE Select); coding-DNA position 1724, C replaced by G.
Protein change: p.Ser575Ter; replaces serine 575 with a stop codon.
Molecular consequence: nonsense.
Genome position (GRCh38, 1-based): chr17:31,223,446, C>G. VCF-style: chr17-31223446-C-G. GRCh37 (hg19) VCF-style: chr17-29550464-C-G.
Other names: c.1724C>G, p.Ser575Ter (NM_000267.4); short protein forms S575*.
Identifiers: ClinVar variation 568718 (VCV000568718.8), dbSNP rs915463951, ClinGen allele CA399003958.
Genomic context (GRCh38, chr17:31,223,446, plus strand): 5'-TTATATCTGCATTAGGTTATTGATGATGCTAGTAACAATGAACTTTATGTTACTGCAGCT[C>G]ACAAATGCTTTTTTACATCTGCAAGAAATTAACTAGTCATCAAATGCTTAGTAGCACAGA-3'

ClinVar aggregate classification (germline): Pathogenic. Review status: criteria provided, multiple submitters, no conflicts (2 of 4 stars). 2 submissions from 2 submitters: Pathogenic (2). Last evaluated 2022-11-15.

Conditions:
Neurofibromatosis, type 1 (NF1). Also called: VON RECKLINGHAUSEN DISEASE; NEUROFIBROMATOSIS, TYPE I, SOMATIC; Peripheral type neurofibromatosis; Neurofibromatosis, type I. Identifiers: Orphanet 636, MedGen C0027831, MONDO:0018975, OMIM 162200. Disease mechanism: loss of function.
Hereditary cancer-predisposing syndrome. Also called: Neoplastic Syndromes, Hereditary; Tumor predisposition; Hereditary Cancer Syndrome; Hereditary neoplastic syndrome. Identifiers: Orphanet 140162, MedGen C0027672, MeSH D009386, MONDO:0015356.
Cardiovascular phenotype. Identifiers: MedGen CN230736.

Submissions (2):

Ambry Genetics
Classification: Pathogenic for Cardiovascular phenotype; Hereditary cancer-predisposing syndrome. Last evaluated: 2022-11-15. Review status: criteria provided, single submitter. Criteria: Ambry Variant Classification Scheme 2023. Collection method: clinical testing. Allele origin: germline.
Comment: The p.S575* pathogenic mutation (also known as c.1724C>G), located in coding exon 16 of the NF1 gene, results from a C to G substitution at nucleotide position 1724. This changes the amino acid from a serine to a stop codon within coding exon 16. This mutation was detected in an individual with a clinical diagnosis of neurofibromatosis type I (Tsipi M et al. J. Neurol. Sci., 2018 12;395:95-105). In addition to the clinical data presented in the literature, this alteration is expected to result in loss of function by premature protein truncation or nonsense-mediated mRNA decay. As such, this alteration is interpreted as a disease-causing mutation.

Labcorp Genetics (formerly Invitae), Labcorp
Classification: Pathogenic for Neurofibromatosis, type 1. Last evaluated: 2018-01-14. Review status: criteria provided, single submitter. Criteria: Invitae Variant Classification Sherloc (09022015). Collection method: clinical testing. Allele origin: germline.
Comment: For these reasons, this variant has been classified as Pathogenic. Loss-of-function variants in NF1 are known to be pathogenic (PMID: 10712197, 23913538). This variant has not been reported in the literature in individuals with NF1-related disease. This variant is not present in population databases (ExAC no frequency). This sequence change creates a premature translational stop signal (p.Ser575*) in the NF1 gene. It is expected to result in an absent or disrupted protein product.

Literature cited by the submitters: PubMed 10712197 (cited by Labcorp Genetics (formerly Invitae), Labcorp); PubMed 23913538 (cited by Labcorp Genetics (formerly Invitae), Labcorp).